The following is an entry in ClinVar:

ClinVar aggregate classification (germline): Uncertain significance. Review status: criteria provided, multiple submitters, no conflicts (2 of 4 stars). 3 submissions from 3 submitters: Uncertain significance (2). 1 of the submissions does not count toward it. Last evaluated 2025-01-20.

Conditions:
Fanconi anemia (FA). Also called: Fanconi's anemia. Identifiers: Orphanet 84, MedGen C0015625, MeSH D005199, MONDO:0019391.
Inborn genetic diseases. Identifiers: MedGen C0950123, MeSH D030342.

Submissions (3):

Ambry Genetics
Classification: Uncertain significance for Inborn genetic diseases. Last evaluated: 2025-01-20. Review status: criteria provided, single submitter. Criteria: Ambry Variant Classification Scheme 2023. Collection method: clinical testing. Allele origin: germline.
Comment: The p.F151L variant (also known as c.453T>G), located in coding exon 5 of the FANCA gene, results from a T to G substitution at nucleotide position 453. The phenylalanine at codon 151 is replaced by leucine, an amino acid with highly similar properties. This amino acid position is conserved. In addition, this alteration is predicted to be tolerated by in silico analysis. Based on the available evidence, the clinical significance of this variant remains unclear.

Labcorp Genetics (formerly Invitae), Labcorp
Classification: Uncertain significance for Fanconi anemia. Last evaluated: 2021-04-09. Review status: criteria provided, single submitter. Criteria: Invitae Variant Classification Sherloc (09022015). Collection method: clinical testing. Allele origin: germline.
Comment: This sequence change replaces phenylalanine with leucine at codon 151 of the FANCA protein (p.Phe151Leu). The phenylalanine residue is weakly conserved and there is a small physicochemical difference between phenylalanine and leucine. This variant is not present in population databases (ExAC no frequency). In summary, the available evidence is currently insufficient to determine the role of this variant in disease. Therefore, it has been classified as a Variant of Uncertain Significance. Advanced modeling of protein sequence and biophysical properties (such as structural, functional, and spatial information, amino acid conservation, physicochemical variation, residue mobility, and thermodynamic stability) performed at Invitae indicates that this missense variant is not expected to disrupt FANCA protein function. This variant has not been reported in the literature in individuals with FANCA-related conditions.

Natera, Inc.
Classification: Uncertain significance for Fanconi anemia. Last evaluated: 2025-04-21. Review status: no assertion criteria provided. Collection method: clinical testing. Allele origin: germline. Not counted in ClinVar's aggregate classification.

NM_000135.4(FANCA):c.453T>G (p.Phe151Leu)

Gene: FANCA (FA complementation group A; minus strand). Cytogenetic location: 16q24.3.
Variant type: single nucleotide variant.
Coding change: c.453T>G on transcript NM_000135.4 (MANE Select); coding-DNA position 453, T replaced by G.
Protein change: p.Phe151Leu; replaces phenylalanine 151 with leucine.
Molecular consequence: missense variant. On other transcripts: intron variant (1).
Genome position (GRCh38, 1-based): chr16:89,810,776, A>C on the plus strand (T>G on the coding strand, the complement: FANCA is on the minus strand). VCF-style: chr16-89810776-A-C. GRCh37 (hg19) VCF-style: chr16-89877184-A-C.
Other names: c.453T>G, p.Phe151Leu (NM_001018112.3, NM_001286167.3); c.426+153T>G (NM_001351830.2); c.453T>G (NM_000135.2, NM_000135.3); short protein forms F151L.
Identifiers: ClinVar variation 1354414 (VCV001354414.10), dbSNP rs2143677733, ClinGen allele CA397480788.